The following is an entry in ClinVar:

NM_014727.3(KMT2B):c.4986C>T (p.Phe1662=)

Gene: KMT2B (lysine methyltransferase 2B; plus strand). Cytogenetic location: 19q13.12.
Variant type: single nucleotide variant.
Coding change: c.4986C>T on transcript NM_014727.3 (MANE Select); coding-DNA position 4986, C replaced by T.
Protein change: p.Phe1662=; no amino-acid change (phenylalanine 1662 retained).
Molecular consequence: synonymous variant.
Genome position (GRCh38, 1-based): chr19:35,730,035, C>T. VCF-style: chr19-35730035-C-T. GRCh37 (hg19) VCF-style: chr19-36220936-C-T.
Identifiers: ClinVar variation 3020636 (VCV003020636.13), dbSNP rs372432644, ClinGen allele CA9385269.

ClinVar aggregate classification (germline): Likely benign. Review status: criteria provided, multiple submitters, no conflicts (2 of 4 stars). 2 submissions from 2 submitters: Likely benign (2). Last evaluated 2025-06-01.

Allele frequency attached by ClinVar (database versions not stated): gnomAD exomes below 0.00001; gnomAD 0.00001; ExAC 0.00002; TOPMed 0.00002; ESP Exome Variant Server 0.00016.
gnomAD v4.1: 7 of 1,613,714 alleles (0.00043%); highest among the groups gnomAD compares: Non-Finnish European, 0.00059%; no homozygotes.

Submissions (2):

CeGaT Center for Human Genetics Tuebingen
Classification: Likely benign. Last evaluated: 2025-06-01. Review status: criteria provided, single submitter. Criteria: CeGaT Center For Human Genetics Tuebingen Variant Classification Criteria Version 2. Collection method: clinical testing. Allele origin: germline. Affected: yes. Observed: 1 variant allele.
Comment: KMT2B: BP4, BP7

Labcorp Genetics (formerly Invitae), Labcorp
Classification: Likely benign. Last evaluated: 2023-03-04. Review status: criteria provided, single submitter. Criteria: Invitae Variant Classification Sherloc (09022015). Collection method: clinical testing. Allele origin: germline.